The following is an entry in ClinVar:

ClinVar aggregate classification (germline): Benign/Likely benign. Review status: criteria provided, multiple submitters, no conflicts (2 of 4 stars). 4 submissions from 4 submitters: Benign (3); Likely benign (1). Last evaluated 2026-02-04.

Allele frequency attached by ClinVar (database versions not stated): 1000 Genomes Project 30x 0.00453; 1000 Genomes Project 0.00479; TOPMed 0.00708; gnomAD 0.00746 and 0.00754; gnomAD exomes 0.00808 and 0.01021; ESP Exome Variant Server 0.00826; ExAC 0.02034.
gnomAD v4.1: 15,657 of 1,577,064 alleles (0.99%); highest among the groups gnomAD compares: Non-Finnish European, 1.1%; 108 homozygotes.

Submissions (4):

Labcorp Genetics (formerly Invitae), Labcorp
Classification: Benign. Last evaluated: 2026-02-04. Review status: criteria provided, single submitter. Criteria: Invitae Variant Classification Sherloc (09022015). Collection method: clinical testing. Allele origin: germline.

Blueprint Genetics
Classification: Likely benign. Last evaluated: 2024-11-26. Review status: criteria provided, single submitter. Criteria: ACMG Guidelines, 2015. Collection method: clinical testing. Allele origin: germline.

CeGaT Center for Human Genetics Tuebingen
Classification: Benign. Last evaluated: 2024-05-01. Review status: criteria provided, single submitter. Criteria: CeGaT Center For Human Genetics Tuebingen Variant Classification Criteria Version 2. Collection method: clinical testing. Allele origin: germline. Affected: yes. Observed: 1 variant allele.
Comment: PLEKHM2: BP4, BP7, BS1, BS2

Breakthrough Genomics
Classification: Benign. Review status: criteria provided, single submitter. Criteria: ACMG Guidelines, 2015. Collection method: not provided. Allele origin: germline. Inheritance: Unknown mechanism. Affected: yes.

NM_015164.4(PLEKHM2):c.2211A>G (p.Ala737=)

Gene: PLEKHM2 (pleckstrin homology and RUN domain containing M2; plus strand). Cytogenetic location: 1p36.21.
Variant type: single nucleotide variant.
Coding change: c.2211A>G on transcript NM_015164.4 (MANE Select); coding-DNA position 2211, A replaced by G.
Protein change: p.Ala737=; no amino-acid change (alanine 737 retained).
Molecular consequence: synonymous variant.
Genome position (GRCh38, 1-based): chr1:15,730,534, A>G. VCF-style: chr1-15730534-A-G. GRCh37 (hg19) VCF-style: chr1-16057029-A-G.
Identifiers: ClinVar variation 478078 (VCV000478078.33), dbSNP rs116455686, ClinGen allele CA617186.